The following is an entry in ClinVar:

NM_000338.3(SLC12A1):c.1190G>C (p.Gly397Ala)

Gene: SLC12A1 (solute carrier family 12 member 1; plus strand). Cytogenetic location: 15q21.1.
Variant type: single nucleotide variant.
Coding change: c.1190G>C on transcript NM_000338.3 (MANE Select); coding-DNA position 1190, G replaced by C.
Protein change: p.Gly397Ala; replaces glycine 397 with alanine.
Molecular consequence: missense variant.
Genome position (GRCh38, 1-based): chr15:48,234,979, G>C. VCF-style: chr15-48234979-G-C. GRCh37 (hg19) VCF-style: chr15-48527176-G-C.
Other names: c.1190G>C, p.Gly397Ala (NM_001184832.2, NM_001384136.1); short protein forms G397A.
Identifiers: ClinVar variation 4526807 (VCV004526807.1).
Genomic context (GRCh38, chr15:48,234,979, plus strand): 5'-GTGAAGGCTTCTTCTCTGTCTTTGCCATTTTTTTCCCAGCAGCTACTGGGATTCTTGCTG[G>C]TGCCAATATCTCAGGAGATTTGGAGGTACGTTGTTTGCTCTGCTTTGCAGTCCTGGGAGT-3'
Protein context (NP_000329.2, residues 387-407): FFPAATGILA[Gly397Ala]ANISGDLEDP

ClinVar aggregate classification (germline): Uncertain significance (1 of 4 stars; one submission).

Conditions:
Bartter disease type 1. Also called: HYPERPROSTAGLANDIN E SYNDROME 1; Bartter Syndrome type 1; Bartter syndrome, type 1, antenatal; HYPOKALEMIC ALKALOSIS WITH HYPERCALCIURIA 1, ANTENATAL. Identifiers: Orphanet 112, Orphanet 620217, MedGen C1866495, MONDO:0100344, OMIM 601678, MONDO:0011127.

gnomAD v4.1: 6 of 1,613,708 alleles (0.00037%); highest among the groups gnomAD compares: Non-Finnish European, 0.00025%; no homozygotes.

Submission:

Rare Kidney Stone Consortium and the Mayo Clinic Hyperoxaluria Center, Mayo Clinic
Classification: Uncertain significance for Bartter disease type 1. Last evaluated: 2025-10-03. Review status: criteria provided, single submitter. Criteria: ACMG Guidelines, 2015. Collection method: research. Allele origin: germline. Observed: 1 variant allele.
Comment: ACMG:PM1, PM2, PP3

Literature cited by the submitters: PubMed 20219833; PubMed 35628451; PubMed 40794449.